The following is an entry in ClinVar:

NM_006389.5(HYOU1):c.1488C>G (p.Asn496Lys)

Gene: HYOU1 (hypoxia up-regulated 1; minus strand). Cytogenetic location: 11q23.3.
Variant type: single nucleotide variant.
Coding change: c.1488C>G on transcript NM_006389.5 (MANE Select); coding-DNA position 1488, C replaced by G.
Protein change: p.Asn496Lys; replaces asparagine 496 with lysine.
Molecular consequence: missense variant.
Genome position (GRCh38, 1-based): chr11:119,051,476, G>C on the plus strand (C>G on the coding strand, the complement: HYOU1 is on the minus strand). VCF-style: chr11-119051476-G-C. GRCh37 (hg19) VCF-style: chr11-118922188-G-C.
Other names: c.1488C>G, p.Asn496Lys (NM_001130991.3, NM_001411041.1); short protein forms N496K.
Identifiers: ClinVar variation 3679722 (VCV003679722.2).

ClinVar aggregate classification (germline): Uncertain significance (1 of 4 stars; one submission).

Submission:

Labcorp Genetics (formerly Invitae), Labcorp
Classification: Uncertain significance. Last evaluated: 2024-05-06. Review status: criteria provided, single submitter. Criteria: Invitae Variant Classification Sherloc (09022015). Collection method: clinical testing. Allele origin: germline.
Comment: This sequence change replaces asparagine, which is neutral and polar, with lysine, which is basic and polar, at codon 496 of the HYOU1 protein (p.Asn496Lys). This variant is not present in population databases (gnomAD no frequency). This variant has not been reported in the literature in individuals affected with HYOU1-related conditions. An algorithm developed to predict the effect of missense changes on protein structure and function (PolyPhen-2) suggests that this variant is likely to be disruptive. Algorithms developed to predict the effect of sequence changes on RNA splicing suggest that this variant may create or strengthen a splice site. In summary, the available evidence is currently insufficient to determine the role of this variant in disease. Therefore, it has been classified as a Variant of Uncertain Significance.